The following is an entry in ClinVar:

NM_024529.5(CDC73):c.245del (p.Asn82fs)

Gene: CDC73 (cell division cycle 73; plus strand). Cytogenetic location: 1q31.2.
Variant type: Deletion.
Coding change: c.245del on transcript NM_024529.5 (MANE Select); coding-DNA position 245, one base deleted (A; older notation c.245delA).
Protein change: p.Asn82fs; shifts the reading frame from asparagine 82.
Molecular consequence: frameshift variant.
Genome position (GRCh38, 1-based): chr1:193,130,181, A deleted; the last of 4 consecutive A bases (chr1:193,130,178-193,130,181); deleting any one gives the same sequence. VCF-style (leftmost placement, unchanged base first): chr1-193130177-GA-G. GRCh37 (hg19) VCF-style: chr1-193099307-GA-G.
Other names: c.245delA (NM_024529.4); short protein forms N82fs.
Identifiers: ClinVar variation 403878 (VCV000403878.8), dbSNP rs1060500009, ClinGen allele CA16609946.
Genomic context (GRCh38, chr1:193,130,177, plus strand): 5'-ATTAAGTTGTGTATCATTGTTATTCATTTCATATCTCATTTAAAATTTTGGTTTTAGACT[GA>G]AAATATTCCTGTGGTTAGAAGACCTGATCGAAAAGATCTACTTGGATATCTCAATGGTGA-3'

ClinVar aggregate classification (germline): Pathogenic. Review status: criteria provided, multiple submitters, no conflicts (2 of 4 stars). 2 submissions from 2 submitters: Pathogenic (2). Last evaluated 2025-04-22.

Conditions:
Hereditary cancer-predisposing syndrome. Also called: Neoplastic Syndromes, Hereditary; Hereditary Cancer Syndrome; Tumor predisposition; Hereditary neoplastic syndrome. Identifiers: Orphanet 140162, MedGen C0027672, MeSH D009386, MONDO:0015356.
Parathyroid carcinoma (PRTC). Also called: CDC73-Related Parathyroid Carcinoma; Parathyroid gland carcinoma. Identifiers: Orphanet 143, MedGen C0687150, MONDO:0012004, OMIM 608266, HP:0006780.

Submissions (2):

Ambry Genetics
Classification: Pathogenic for Hereditary cancer-predisposing syndrome. Last evaluated: 2025-04-22. Review status: criteria provided, single submitter. Criteria: Ambry Variant Classification Scheme 2023. Collection method: clinical testing. Allele origin: germline.
Comment: The c.245delA pathogenic mutation, located in coding exon 3 of the CDC73 gene, results from a deletion of one nucleotide at nucleotide position 245, causing a translational frameshift with a predicted alternate stop codon (p.N82Ifs*27). This variant is considered to be rare based on population cohorts in the Genome Aggregation Database (gnomAD). This alteration is expected to result in loss of function by premature protein truncation or nonsense-mediated mRNA decay. As such, this alteration is interpreted as a disease-causing mutation.

Labcorp Genetics (formerly Invitae), Labcorp
Classification: Pathogenic for Parathyroid carcinoma. Last evaluated: 2016-11-10. Review status: criteria provided, single submitter. Criteria: Invitae Variant Classification Sherloc (09022015). Collection method: clinical testing. Allele origin: germline.
Comment: For these reasons, this variant has been classified as Pathogenic. While this particular variant has not been reported in the literature, loss-of-function variants in CDC73 are known to be pathogenic (PMID: 12434154). This sequence change deletes 1 nucleotide from exon 3 of the CDC73 mRNA (c.245delA), causing a frameshift at codon 82. This creates a premature translational stop signal (p.Asn82Ilefs*27) and is expected to result in an absent or disrupted protein product.

Literature cited by the submitters: PubMed 12434154 (cited by Labcorp Genetics (formerly Invitae), Labcorp).